The following is an entry in ClinVar:

ClinVar aggregate classification (germline): Uncertain significance. Review status: criteria provided, single submitter (1 of 4 stars). 2 submissions from 2 submitters: Uncertain significance (1). 1 of the submissions does not count toward it. Last evaluated 2026-03-12.

Conditions:
Alkaptonuria (AKU). Also called: Alcaptonuria; HOMOGENTISIC ACID OXIDASE DEFICIENCY; Homogentisic acidura; Alkaptonuric ochronosis. Identifiers: Orphanet 56, MedGen C0002066, MONDO:0008753, OMIM 203500.

Allele frequency attached by ClinVar (database versions not stated): ExAC 0.00001; TOPMed 0.00001.
gnomAD v4.1: 5 of 1,611,420 alleles (0.00031%); highest among the groups gnomAD compares: Admixed American, 0.0033%; no homozygotes.

Submissions (2):

Myriad Genetics, Inc.
Classification: Uncertain significance for Alkaptonuria. Last evaluated: 2026-03-12. Review status: criteria provided, single submitter. Criteria: Myriad Autosomal Dominant, Autosomal Recessive and X-Linked Classification Criteria (2023). Collection method: clinical testing. Allele origin: unknown.
Comment: NM_000187.3(HGD):c.873C>A(D291E) is a missense variant classified as a variant of uncertain significance in the context of alkaptonuria. D291E has been observed in a case with relevant disease (PMID: 10205262). Relevant functional assessments of this variant are not available in the literature. D291E has been observed in referenced population frequency databases. In summary, there is insufficient evidence to classify NM_000187.3(HGD):c.873C>A(D291E) as pathogenic or benign. Please note: this variant was assessed in the context of healthy population screening.

Department Of Human Genetics, Institute Of Clinical And Translational Research, Biomedical Research Center, Slovak Academy Of Sciences
Classification: Pathogenic for Alkaptonuria. Review status: no assertion criteria provided. Collection method: research. Allele origin: germline. Inheritance: Autosomal recessive inheritance. Affected: yes. Observed: 3 variant alleles. Not counted in ClinVar's aggregate classification.
Comment: The variant was originally described in AKU patient in PMID:10205262. It has been submitted to the HGD gene mutation database (DB-ID: AKU_00081).

Literature cited by the submitters: PubMed 10205262 (cited by Myriad Genetics, Inc. and Department Of Human Genetics, Institute Of Clinical And Translational Research, Biomedical Research Center, Slovak Academy Of Sciences).

NM_000187.4(HGD):c.873C>A (p.Asp291Glu)

Gene: HGD (homogentisate 1,2-dioxygenase; minus strand). Cytogenetic location: 3q13.33.
Variant type: single nucleotide variant.
Coding change: c.873C>A on transcript NM_000187.4 (MANE Select); coding-DNA position 873, C replaced by A.
Protein change: p.Asp291Glu; replaces aspartic acid 291 with glutamic acid.
Molecular consequence: missense variant.
Genome position (GRCh38, 1-based): chr3:120,641,595, G>T on the plus strand (C>A on the coding strand, the complement: HGD is on the minus strand). VCF-style: chr3-120641595-G-T. GRCh37 (hg19) VCF-style: chr3-120360442-G-T.
Other names: short protein forms D291E.
Identifiers: ClinVar variation 2627716 (VCV002627716.2), dbSNP rs754428438, ClinGen allele CA2560044.